The following is an entry in ClinVar:

ClinVar aggregate classification (germline): Uncertain significance. Review status: criteria provided, multiple submitters, no conflicts (2 of 4 stars). 2 submissions from 2 submitters: Uncertain significance (2). Last evaluated 2021-08-20.

Conditions:
Very long chain acyl-CoA dehydrogenase deficiency (ACADVLD). Also called: VLCAD Deficiency; Very Long-Chain Acyl-Coenzyme A Dehydrogenase Deficiency. Identifiers: Orphanet 26793, MedGen C3887523, MONDO:0008723, OMIM 201475.

Allele frequency attached by ClinVar (database versions not stated): gnomAD exomes below 0.00001; ExAC 0.00001.
gnomAD v4.1: 5 of 1,613,004 alleles (0.00031%); highest among the groups gnomAD compares: Non-Finnish European, 0.00042%; no homozygotes.

Submissions (2):

Labcorp Genetics (formerly Invitae), Labcorp
Classification: Uncertain significance for Very long chain acyl-CoA dehydrogenase deficiency. Last evaluated: 2021-08-20. Review status: criteria provided, single submitter. Criteria: Invitae Variant Classification Sherloc (09022015). Collection method: clinical testing. Allele origin: germline.
Comment: This sequence change replaces glycine with serine at codon 350 of the ACADVL protein (p.Gly350Ser). The glycine residue is highly conserved and there is a small physicochemical difference between glycine and serine. This variant is present in population databases (rs767138639, ExAC 0.002%). This variant has not been reported in the literature in individuals affected with ACADVL-related conditions. Algorithms developed to predict the effect of missense changes on protein structure and function (SIFT, PolyPhen-2, Align-GVGD) all suggest that this variant is likely to be disruptive. In summary, the available evidence is currently insufficient to determine the role of this variant in disease. Therefore, it has been classified as a Variant of Uncertain Significance.

Wong Mito Lab, Molecular and Human Genetics, Baylor College of Medicine
Classification: Uncertain significance for Very long chain acyl-CoA dehydrogenase deficiency. Last evaluated: 2019-11-01. Review status: criteria provided, single submitter. Criteria: ACMG Guidelines, 2015. Collection method: clinical testing. Allele origin: germline.
Comment: The NM_000018.3:c.1048G>A (NP_000009.1:p.Gly350Ser) [GRCH38: NC_000017.11:g.7222836G>A] variant in ACADVL gene is interpretated to be Uncertain Significance based on ACMG guidelines (PMID: 25741868). This variant has been reported. This variant meets the following evidence codes reported in the ACMG guidelines: PP3

NM_000018.4(ACADVL):c.1048G>A (p.Gly350Ser)

Gene: ACADVL (acyl-CoA dehydrogenase very long chain; plus strand). Cytogenetic location: 17p13.1.
Variant type: single nucleotide variant.
Coding change: c.1048G>A on transcript NM_000018.4 (MANE Select); coding-DNA position 1048, G replaced by A.
Protein change: p.Gly350Ser; replaces glycine 350 with serine.
Molecular consequence: missense variant.
Genome position (GRCh38, 1-based): chr17:7,222,836, G>A. VCF-style: chr17-7222836-G-A. GRCh37 (hg19) VCF-style: chr17-7126155-G-A.
Other names: c.982G>A, p.Gly328Ser (NM_001033859.3); c.1117G>A, p.Gly373Ser (NM_001270447.2); c.820G>A, p.Gly274Ser (NM_001270448.2); short protein forms G274S, G328S, G350S, G373S.
Identifiers: ClinVar variation 859772 (VCV000859772.9), dbSNP rs767138639, ClinGen allele CA8337928.